The following is an entry in ClinVar:

NM_005883.3(APC2):c.2651C>A (p.Pro884Gln)

Gene: APC2 (APC regulator of WNT signaling pathway 2; plus strand). Cytogenetic location: 19p13.3.
Variant type: single nucleotide variant.
Coding change: c.2651C>A on transcript NM_005883.3 (MANE Select); coding-DNA position 2651, C replaced by A.
Protein change: p.Pro884Gln; replaces proline 884 with glutamine.
Molecular consequence: missense variant.
Genome position (GRCh38, 1-based): chr19:1,465,952, C>A. VCF-style: chr19-1465952-C-A. GRCh37 (hg19) VCF-style: chr19-1465951-C-A.
Other names: c.2648C>A, p.Pro883Gln (NM_001351273.1); short protein forms P883Q, P884Q.
Identifiers: ClinVar variation 3377274 (VCV003377274.1).

ClinVar aggregate classification (germline): Uncertain significance (1 of 4 stars; one submission).

Conditions:
Intellectual developmental disorder, autosomal recessive 74 (MRT74). Also called: Sotos syndrome 3. Identifiers: MedGen C4310684, MONDO:0014951, OMIM 617169.

gnomAD v4.1: 3 of 1,577,530 alleles (0.00019%); highest among the groups gnomAD compares: Non-Finnish European, 0.00026%; no homozygotes.

Submission:

Victorian Clinical Genetics Services, Murdoch Childrens Research Institute
Classification: Uncertain significance for Intellectual developmental disorder, autosomal recessive 74. Last evaluated: 2024-10-10. Review status: criteria provided, single submitter. Criteria: ACMG Guidelines, 2015. Collection method: clinical testing. Allele origin: germline. Inheritance: Autosomal recessive inheritance. Affected: yes.
Comment: Based on the classification scheme VCGS_Germline_v1.3.5, this variant is classified as VUS-3C. Following criteria are met: 0102 - Loss of function is a known mechanism of disease in this gene and is associated with Intellectual developmental disorder, autosomal recessive 74 (MIM#617169). (I) 0106 - This gene is associated with autosomal recessive disease. (I) 0115 - Variants in this gene are known to have variable expressivity. Intra-familial variability has been reported (PMID: 31585108). (I) 0200 - Variant is predicted to result in a missense amino acid change from proline to glutamine. (I) 0251 - This variant is heterozygous. (I) 0304 - Variant is present in gnomAD (v4) <0.01 for a recessive condition (3 heterozygotes, 0 homozygotes). (SP) 0309 - Multiple alternative nucleotide changes at the same canonical splice site are present in gnomad (v4) (highest allele count: 4 heterozygotes, 0 homozygotes). (I) 0502 - Missense variant with conflicting in silico predictions and uninformative conservation. (I) 0600 - Variant is located in the annotated Armadillo-associated region (DECIPHER). (I) 0705 - No comparable [variant type] variants have previous evidence for pathogenicity. (I) 0807 - This variant has no previous evidence of pathogenicity. (I) 0905 - No published segregation evidence has been identified for this variant. (I) 1007 - No published functional evidence has been identified for this variant. (I) Legend: (SP) - Supporting pathogenic, (I) - Information, (SB) - Supporting benign

Literature cited by the submitters: PubMed 31585108.